The following is an entry in ClinVar:

NM_002516.4(NOVA2):c.131C>T (p.Ala44Val)

Gene: NOVA2 (NOVA alternative splicing regulator 2; minus strand). Cytogenetic location: 19q13.32.
Variant type: single nucleotide variant.
Coding change: c.131C>T on transcript NM_002516.4 (MANE Select); coding-DNA position 131, C replaced by T.
Protein change: p.Ala44Val; replaces alanine 44 with valine.
Molecular consequence: missense variant.
Genome position (GRCh38, 1-based): chr19:45,961,108, G>A on the plus strand (C>T on the coding strand, the complement: NOVA2 is on the minus strand). VCF-style: chr19-45961108-G-A. GRCh37 (hg19) VCF-style: chr19-46464366-G-A.
Other names: short protein forms A44V.
Identifiers: ClinVar variation 5003106 (VCV005003106.1).
Genomic context (GRCh38, chr19:45,961,108, plus strand): 5'-GCTCCGGTCTCCTTCTGCAGCTGCACGATGGTCTGCCCGCCCTTGCCAATGATGGAGCCC[G>A]CCGCGTAGCTGGGGATCAGCACCTTCAGGAAGTATTCGCCTTCCTCTGCGGGGGCACACA-3'
Protein context (NP_002507.1, residues 34-54): FLKVLIPSYA[Ala44Val]GSIIGKGGQT

ClinVar aggregate classification (germline): Uncertain significance (1 of 4 stars; one submission).

Conditions:
Neurodevelopmental disorder with or without autistic features and/or structural brain abnormalities. Identifiers: MedGen C5394311, MONDO:0030024, OMIM 618859.

Submission:

OLLIN Analises Genomicas, OLLIN
Classification: Uncertain significance for Neurodevelopmental disorder with or without autistic features and/or structural brain abnormalities. Last evaluated: 2026-08-06. Review status: criteria provided, single submitter. Criteria: ACMG Guidelines 2015 PMID 25741868. Collection method: clinical testing. Allele origin: germline.
Comment: This missense variant, located in exon 2 (of 4), is absent from gnomAD and ClinVar and has not been identified in the literature. In silico analysis predicts that this variant has a tolerated effect. According to the currently available evidence, this variant has been classified as uncertain significance (PM2_P, BP4_M).